The following is an entry in ClinVar:

NM_030957.4(ADAMTS10):c.833C>G (p.Ser278Trp)

Gene: ADAMTS10 (ADAM metallopeptidase with thrombospondin type 1 motif 10; minus strand). Cytogenetic location: 19p13.2.
Variant type: single nucleotide variant.
Coding change: c.833C>G on transcript NM_030957.4 (MANE Select); coding-DNA position 833, C replaced by G.
Protein change: p.Ser278Trp; replaces serine 278 with tryptophan.
Molecular consequence: missense variant.
Genome position (GRCh38, 1-based): chr19:8,597,295, G>C on the plus strand (C>G on the coding strand, the complement: ADAMTS10 is on the minus strand). VCF-style: chr19-8597295-G-C. GRCh37 (hg19) VCF-style: chr19-8662179-G-C.
Other names: short protein forms S278W.
Identifiers: ClinVar variation 5006051 (VCV005006051.2).
Genomic context (GRCh38, chr19:8,597,295, plus strand): 5'-TGGTCCTCCGTGAGCAGGATGAGGCGAGTTACGAGGATGTTAACGGTGCTTCCCAGACTC[G>C]AGTCCTGGAAAAGTTTGGCAACCTGACCTCCAAGAAACAAGAGAGACCGAGTCTTAAGAG-3'
Protein context (NP_112219.3, residues 268-288): MNIVAKLFQD[Ser278Trp]SLGSTVNILV

ClinVar aggregate classification (germline): Uncertain significance (1 of 4 stars; one submission).

Conditions:
Weill-Marchesani syndrome 1 (WMS1). Also called: Weill-Marchesani Syndrome, Autosomal Recessive; ADAMTS10-Related Weill-Marchesani Syndrome; Weill-Marchesani syndrome 1, recessive. Identifiers: Orphanet 3449, MedGen C4552002, MONDO:0010194, OMIM 277600.

Submission:

Juno Genomics, Hangzhou Juno Genomics, Inc
Classification: Uncertain significance for Weill-Marchesani syndrome 1. Review status: criteria provided, single submitter. Criteria: ACMG Guidelines, 2015. Collection method: clinical testing. Allele origin: germline.
Comment: Absent from controls (or at extremely low frequency if recessive) in Genome Aggregation Database.;Missense variant in a gene that has a low rate of benign missense variation.;Multiple lines of computational evidence support a deleterious effect on the gene or gene product.